The following is an entry in ClinVar:

ClinVar aggregate classification (germline): Pathogenic. Review status: criteria provided, multiple submitters, no conflicts (2 of 4 stars). 2 submissions from 2 submitters: Pathogenic (2). Last evaluated 2023-11-27.

Conditions:
NYX-related disorder. Also called: NYX-related condition.

Submissions (2):

Labcorp Genetics (formerly Invitae), Labcorp
Classification: Pathogenic. Last evaluated: 2023-11-27. Review status: criteria provided, single submitter. Criteria: Invitae Variant Classification Sherloc (09022015). Collection method: clinical testing. Allele origin: germline.
Comment: This sequence change creates a premature translational stop signal (p.Ser201*) in the NYX gene. While this is not anticipated to result in nonsense mediated decay, it is expected to disrupt the last 281 amino acid(s) of the NYX protein. This variant is not present in population databases (gnomAD no frequency). This premature translational stop signal has been observed in individual(s) with congenital stationary night blindness (PMID: 35456422). ClinVar contains an entry for this variant (Variation ID: 1462042). This variant disrupts a region of the NYX protein in which other variant(s) (p.Cys362*) have been determined to be pathogenic (Invitae). This suggests that this is a clinically significant region of the protein, and that variants that disrupt it are likely to be disease-causing. For these reasons, this variant has been classified as Pathogenic.

Blueprint Genetics
Classification: Pathogenic for NYX-related disorders. Last evaluated: 2021-04-20. Review status: criteria provided, single submitter. Criteria: ACMG Guidelines, 2015. Collection method: clinical testing. Allele origin: germline. Affected: yes. Observed: 5 variant alleles.

Literature cited by the submitters: PubMed 35456422 (cited by Labcorp Genetics (formerly Invitae), Labcorp).

NM_001378477.3(NYX):c.587C>A (p.Ser196Ter)

Gene: NYX (nyctalopin; plus strand). Cytogenetic location: Xp11.4.
Variant type: single nucleotide variant.
Coding change: c.587C>A on transcript NM_001378477.3 (MANE Select); coding-DNA position 587, C replaced by A.
Protein change: p.Ser196Ter; replaces serine 196 with a stop codon.
Molecular consequence: nonsense.
Genome position (GRCh38, 1-based): chrX:41,474,055, C>A. VCF-style: chrX-41474055-C-A. GRCh37 (hg19) VCF-style: chrX-41333308-C-A.
Other names: c.587C>A, p.Ser196Ter (NM_022567.3); short protein forms S196*.
Identifiers: ClinVar variation 1462042 (VCV001462042.7), dbSNP rs2147025796, ClinGen allele CA412990860.